The following is an entry in ClinVar:

NM_033100.4(CDHR1):c.879T>A (p.Phe293Leu)

Gene: CDHR1 (cadherin related family member 1; plus strand). Cytogenetic location: 10q23.1.
Variant type: single nucleotide variant.
Coding change: c.879T>A on transcript NM_033100.4 (MANE Select); coding-DNA position 879, T replaced by A.
Protein change: p.Phe293Leu; replaces phenylalanine 293 with leucine.
Molecular consequence: missense variant.
Genome position (GRCh38, 1-based): chr10:84,205,843, T>A. VCF-style: chr10-84205843-T-A. GRCh37 (hg19) VCF-style: chr10-85965599-T-A.
Other names: c.879T>A, p.Phe293Leu (NM_001171971.3); c.879T>A (NM_033100.2); short protein forms F293L.
Identifiers: ClinVar variation 1349225 (VCV001349225.6), dbSNP rs1312398950, ClinGen allele CA377373750.
Genomic context (GRCh38, chr10:84,205,843, plus strand): 5'-CCTGTGGTCCTGTGCAGAACTTCAGGGTGCATCTCCCTTGACAGGGAACGATGGAGCCTT[T>A]GAAATTAATGAGACATCTGGAGCCATCTCCATCACTCAGAGCCCGGCCCAGCTCCAGAGA-3'
Protein context (NP_149091.1, residues 283-303): YSLVNGNDGA[Phe293Leu]EINETSGAIS

ClinVar aggregate classification (germline): Uncertain significance. Review status: criteria provided, multiple submitters, no conflicts (2 of 4 stars). 2 submissions from 2 submitters: Uncertain significance (2). Last evaluated 2025-11-24.

Conditions:
Inborn genetic diseases. Identifiers: MedGen C0950123, MeSH D030342.

Allele frequency attached by ClinVar (database versions not stated): gnomAD exomes below 0.00001; gnomAD 0.00003; TOPMed 0.00002.
gnomAD v4.1: 5 of 1,613,538 alleles (0.00031%); highest among the groups gnomAD compares: African/African-American, 0.0067%; no homozygotes.

Submissions (2):

Ambry Genetics
Classification: Uncertain significance for Inborn genetic diseases. Last evaluated: 2025-11-24. Review status: criteria provided, single submitter. Criteria: Ambry Variant Classification Scheme 2023. Collection method: clinical testing. Allele origin: germline.

Labcorp Genetics (formerly Invitae), Labcorp
Classification: Uncertain significance. Last evaluated: 2021-08-30. Review status: criteria provided, single submitter. Criteria: Invitae Variant Classification Sherloc (09022015). Collection method: clinical testing. Allele origin: germline.
Comment: This sequence change replaces phenylalanine with leucine at codon 293 of the CDHR1 protein (p.Phe293Leu). The phenylalanine residue is highly conserved and there is a small physicochemical difference between phenylalanine and leucine. This variant is not present in population databases (ExAC no frequency). This variant has not been reported in the literature in individuals affected with CDHR1-related conditions. Advanced modeling of protein sequence and biophysical properties (such as structural, functional, and spatial information, amino acid conservation, physicochemical variation, residue mobility, and thermodynamic stability) performed at Invitae indicates that this missense variant is expected to disrupt CDHR1 protein function. In summary, the available evidence is currently insufficient to determine the role of this variant in disease. Therefore, it has been classified as a Variant of Uncertain Significance.